The following is an entry in ClinVar:

ClinVar aggregate classification (germline): Likely pathogenic (1 of 4 stars; one submission).

Conditions:
Cardiomyopathy, dilated, with wooly hair, keratoderma, and tooth agenesis. Also called: Erythrokeratodermia-cardiomyopathy syndrome; Cardiomyopathy, dilated, with woolly hair, keratoderma, and tooth agenesis. Identifiers: Orphanet 476096, Orphanet 65282, MedGen C4014393, MONDO:0014355, OMIM 615821.

Submission:

MVZ Medizinische Genetik Mainz
Classification: Likely pathogenic for Cardiomyopathy, dilated, with wooly hair, keratoderma, and tooth agenesis. Last evaluated: 2026-08-19. Review status: criteria provided, single submitter. Criteria: UK Practice Guidelines For Variant Classification V4 01 2020. Collection method: clinical testing. Allele origin: germline. Inheritance: Autosomal dominant inheritance. Affected: yes. Observed: 1 variant allele.
Comment: ACMG Criteria: PVS1,PM2_SUP

NM_004415.4(DSP):c.558dup (p.Val187fs)

Gene: DSP (desmoplakin; plus strand). Cytogenetic location: 6p24.3.
Variant type: Duplication.
Coding change: c.558dup on transcript NM_004415.4 (MANE Select); coding-DNA position 558, one base duplicated (T; older notation c.558dupT).
Protein change: p.Val187fs; shifts the reading frame from valine 187.
Molecular consequence: frameshift variant.
Genome position (GRCh38, 1-based): chr6:7,559,361, T duplicated. VCF-style (leftmost placement, unchanged base first): chr6-7559360-A-AT. GRCh37 (hg19) VCF-style: chr6-7559593-A-AT.
Other names: c.558dup, p.Val187fs (NM_001008844.3, NM_001319034.2, NM_001406591.1); short protein forms V187fs.
Identifiers: ClinVar variation 5038242 (VCV005038242.1).